The following is an entry in ClinVar:

NM_001130987.2(DYSF):c.3559A>T (p.Lys1187Ter)

Gene: DYSF (dysferlin; plus strand). Cytogenetic location: 2p13.2.
Variant type: single nucleotide variant.
Coding change: c.3559A>T on transcript NM_001130987.2 (MANE Select); coding-DNA position 3559, A replaced by T.
Protein change: p.Lys1187Ter; replaces lysine 1187 with a stop codon.
Molecular consequence: nonsense.
Genome position (GRCh38, 1-based): chr2:71,590,273, A>T. VCF-style: chr2-71590273-A-T. GRCh37 (hg19) VCF-style: chr2-71817403-A-T.
Other names: c.3508A>T, p.Lys1170Ter (NM_001130455.2, NM_001130983.2); c.3463A>T, p.Lys1155Ter (NM_001130976.2, NM_001130977.2); c.3505A>T, p.Lys1169Ter (NM_001130978.2, NM_003494.4); c.3598A>T, p.Lys1200Ter (NM_001130979.2); c.3556A>T, p.Lys1186Ter (NM_001130980.2, NM_001130981.2); c.3601A>T, p.Lys1201Ter (NM_001130982.2); c.3466A>T, p.Lys1156Ter (NM_001130984.2, NM_001130986.2); c.3559A>T, p.Lys1187Ter (NM_001130985.2); short protein forms K1155*, K1156*, K1169*, K1170*, K1186*, K1187*, K1200*, K1201*.
Identifiers: ClinVar variation 983962 (VCV000983962.4), dbSNP rs2093222376, ClinGen allele CA347220852.

ClinVar aggregate classification (germline): Likely pathogenic (1 of 4 stars; one submission).

Conditions:
Autosomal recessive limb-girdle muscular dystrophy. Identifiers: Orphanet 102015, MedGen C2931907, MONDO:0015152.

Submission:

Myriad Genetics, Inc.
Classification: Likely pathogenic for Autosomal recessive limb-girdle muscular dystrophy. Last evaluated: 2019-10-19. Review status: criteria provided, single submitter. Criteria: Myriad Autosomal Dominant, Autosomal Recessive and X-Linked Classification Criteria (2023). Collection method: clinical testing. Allele origin: unknown.
Comment: NM_003494.3(DYSF):c.3505A>T(K1169*) is expected to be pathogenic in the context of dysferlinopathy. This variant is predicted to lead to an abnormal or absent protein product due to the creation of a premature termination codon in DYSF, a gene where loss-of-function variants are known to be pathogenic. Please note: this variant was assessed in the context of healthy population screening.